The following is an entry in ClinVar:

ClinVar aggregate classification (germline): Likely benign (1 of 4 stars; one submission).

gnomAD v4.1: 8 of 1,614,204 alleles (0.0005%); highest among the groups gnomAD compares: African/African-American, 0.0093%; no homozygotes.

Submission:

CeGaT Center for Human Genetics Tuebingen
Classification: Likely benign. Last evaluated: 2025-07-01. Review status: criteria provided, single submitter. Criteria: CeGaT Center For Human Genetics Tuebingen Variant Classification Criteria Version 2. Collection method: clinical testing. Allele origin: germline. Affected: yes. Observed: 1 variant allele.
Comment: H4C9: BP4, BP7

NM_003495.3(H4C9):c.147C>T (p.Gly49=)

Genes: H2BC12 (H2B clustered histone 12; minus strand), H4C9 (H4 clustered histone 9; plus strand). Cytogenetic location: 6p22.1.
Variant type: single nucleotide variant.
Coding change: c.147C>T on transcript NM_003495.3 (MANE Select); coding-DNA position 147, C replaced by T.
Protein change: p.Gly49=; no amino-acid change (glycine 49 retained).
Molecular consequence: synonymous variant. On other transcripts: intron variant (1).
Genome position (GRCh38, 1-based): chr6:27,139,455, C>T. VCF-style: chr6-27139455-C-T. GRCh37 (hg19) VCF-style: chr6-27107234-C-T.
Other names: c.*10-774G>A (NM_080593.2).
Identifiers: ClinVar variation 4084041 (VCV004084041.8).